The following is an entry in ClinVar:

NM_003743.5(NCOA1):c.99G>C (p.Lys33Asn)

Gene: NCOA1 (nuclear receptor coactivator 1; plus strand). Cytogenetic location: 2p23.3.
Variant type: single nucleotide variant.
Coding change: c.99G>C on transcript NM_003743.5 (MANE Select); coding-DNA position 99, G replaced by C.
Protein change: p.Lys33Asn; replaces lysine 33 with asparagine.
Molecular consequence: missense variant.
Genome position (GRCh38, 1-based): chr2:24,665,758, G>C. VCF-style: chr2-24665758-G-C. GRCh37 (hg19) VCF-style: chr2-24888627-G-C.
Other names: c.99G>C, p.Lys33Asn (NM_001362950.1, NM_001362952.1, NM_001362954.1 and 3 more transcripts); short protein forms K33N.
Identifiers: ClinVar variation 4995959 (VCV004995959.1).

ClinVar aggregate classification (germline): Uncertain significance (1 of 4 stars; one submission).

Conditions:
NCOA1-related disorder. Also called: NCOA1-related condition.

Submission:

PreventionGenetics, part of Exact Sciences
Classification: Uncertain significance for NCOA1-related condition. Last evaluated: 2026-03-10. Review status: criteria provided, single submitter. Criteria: ACMG Guidelines, 2015. Collection method: clinical testing. Allele origin: germline.
Comment: The NCOA1 c.99G>C variant is predicted to result in the amino acid substitution p.Lys33Asn. To our knowledge, this variant has not been reported in the literature or in a large population database (gnomAD), indicating this variant is rare. At this time, the clinical significance of this variant is uncertain due to the absence of conclusive functional and genetic evidence.